The following is an entry in ClinVar:

NM_017649.5(CNNM2):c.1081C>T (p.Gln361Ter)

Gene: CNNM2 (cyclin and CBS domain divalent metal cation transport mediator 2; plus strand). Cytogenetic location: 10q24.32.
Variant type: single nucleotide variant.
Coding change: c.1081C>T on transcript NM_017649.5 (MANE Select); coding-DNA position 1081, C replaced by T.
Protein change: p.Gln361Ter; replaces glutamine 361 with a stop codon.
Molecular consequence: nonsense.
Genome position (GRCh38, 1-based): chr10:102,919,561, C>T. VCF-style: chr10-102919561-C-T. GRCh37 (hg19) VCF-style: chr10-104679318-C-T.
Other names: c.1081C>T, p.Gln361Ter (NM_199076.3, NM_199077.3); short protein forms Q361*.
Identifiers: ClinVar variation 1302232 (VCV001302232.2), dbSNP rs2134150496, ClinGen allele CA377959423.
Genomic context (GRCh38, chr10:102,919,561, plus strand): 5'-GGCCTCGTGGCCGTGGTAGTCTCCACCATCGGTATCGTCATCTTCGGAGAGATCGTGCCC[C>T]AGGCCATCTGCTCCCGGCATGGCCTGGCTGTGGGGGCCAACACCATCTTCCTCACCAAGT-3'

ClinVar aggregate classification (germline): Uncertain significance (1 of 4 stars; one submission).

Submission:

GeneDx
Classification: Uncertain significance. Last evaluated: 2019-09-09. Review status: criteria provided, single submitter. Criteria: GeneDx Variant Classification Process June 2021. Collection method: clinical testing. Allele origin: germline. Affected: yes.
Comment: Not observed in large population cohorts (Lek et al., 2016); Nonsense variant predicted to result in protein truncation or nonsense mediated decay in a gene for which loss-of-function is not a known mechanism of disease; Has not been previously published as pathogenic or benign to our knowledge